The following is an entry in ClinVar:

NM_004937.3(CTNS):c.*1206T>C

Gene: CTNS (cystinosin, lysosomal cystine transporter; plus strand). Cytogenetic location: 17p13.2.
Variant type: single nucleotide variant.
Coding change: c.*1206T>C on transcript NM_004937.3 (MANE Select); 1206 bases downstream of the stop codon, T replaced by C.
Molecular consequence: 3 prime UTR variant.
Genome position (GRCh38, 1-based): chr17:3,661,575, T>C. VCF-style: chr17-3661575-T-C. GRCh37 (hg19) VCF-style: chr17-3564869-T-C.
Other names: c.*841T>C (NM_001031681.3, NM_001374492.1); c.*1206T>C (NM_001374493.1, NM_001374494.1, NM_001374495.1 and 1 more transcripts).
Identifiers: ClinVar variation 322886 (VCV000322886.5), dbSNP rs115239409, ClinGen allele CA10649128.
Genomic context (GRCh38, chr17:3,661,575, plus strand): 5'-ATTAAAACCTACTCGCTTCCTTTCTGCACTCTGTGTGCTCGATACAGAAGGCAGGTGTGC[T>C]GGCCTTCAGAGCCAGGTGCCCTGCTCCCCTCGTGTAAGGAAGCGCATAAGGTTGTGAAGG-3'

ClinVar aggregate classification (germline): Benign. Review status: criteria provided, single submitter (1 of 4 stars). 2 submissions from 1 submitter: Benign (2). Last evaluated 2018-01-13.

Conditions:
Nephropathic cystinosis (CTNS). Also called: CYSTINOSIN, DEFECT OF; LYSOSOMAL CYSTINE TRANSPORT PROTEIN, DEFECT OF; Abderhalden Lignac Kaufmann disease; Abderhalden-Kaufmann-Lignac syndrome. Identifiers: Orphanet 213, Orphanet 411629, MedGen C2931187, MONDO:0100151, OMIM 219800.
Ocular cystinosis. Also called: Non-Nephropathic (Ocular) Cystinosis; Non-Nephropathic Cystinosis. Identifiers: Orphanet 213, Orphanet 411641, MedGen C2931013, MONDO:0009064, OMIM 219750.

Allele frequency attached by ClinVar (database versions not stated): gnomAD 0.00541 and 0.00577; TOPMed 0.00597; 1000 Genomes Project 0.00739; 1000 Genomes Project 30x 0.00765.

Submissions (2):

Illumina Laboratory Services, Illumina
Classification: Benign for Nephropathic cystinosis. Last evaluated: 2018-01-13. Review status: criteria provided, single submitter. Criteria: ICSL Variant Classification Criteria 13 December 2019. Collection method: clinical testing. Allele origin: germline.
Comment: This variant was observed in the ICSL laboratory as part of a predisposition screen in an ostensibly healthy population. It had not been previously curated by ICSL or reported in the Human Gene Mutation Database (HGMD: prior to June 1st, 2018), and was therefore a candidate for classification through an automated scoring system. Utilizing variant allele frequency, disease prevalence and penetrance estimates, and inheritance mode, an automated score was calculated to assess if this variant is too frequent to cause the disease. Based on the score and internal cut-off values, a variant classified as benign is not then subjected to further curation. The score for this variant resulted in a classification of benign for this disease.

Illumina Laboratory Services, Illumina
Classification: Benign for Ocular cystinosis. Last evaluated: 2018-01-13. Review status: criteria provided, single submitter. Criteria: ICSL Variant Classification Criteria 13 December 2019. Collection method: clinical testing. Allele origin: germline.
Comment: the same text as in the submission from Illumina Laboratory Services, Illumina above.